The following is an entry in ClinVar:

ClinVar aggregate classification (germline): Uncertain significance. Review status: criteria provided, multiple submitters, no conflicts (2 of 4 stars). 3 submissions from 3 submitters: Uncertain significance (3). Last evaluated 2023-11-13.

Conditions:
Tuberous sclerosis syndrome (TSC). Also called: Tuberous sclerosis; Tuberous Sclerosis Complex. Identifiers: Orphanet 805, MedGen C0041341, MONDO:0001734.
Tuberous sclerosis 2 (TSC2). Identifiers: Orphanet 805, MedGen C1860707, MONDO:0013199, OMIM 613254.
Hereditary cancer-predisposing syndrome. Also called: Tumor predisposition; Hereditary neoplastic syndrome; Neoplastic Syndromes, Hereditary; Hereditary Cancer Syndrome. Identifiers: Orphanet 140162, MedGen C0027672, MeSH D009386, MONDO:0015356.

Allele frequency attached by ClinVar (database versions not stated): TOPMed 0.00001.
gnomAD v4.1: 4 of 1,612,760 alleles (0.00025%); highest among the groups gnomAD compares: African/African-American, 0.0013%; no homozygotes.

Submissions (3):

Labcorp Genetics (formerly Invitae), Labcorp
Classification: Uncertain significance for Tuberous sclerosis 2. Last evaluated: 2023-11-13. Review status: criteria provided, single submitter. Criteria: Invitae Variant Classification Sherloc (09022015). Collection method: clinical testing. Allele origin: germline.
Comment: This sequence change replaces threonine, which is neutral and polar, with arginine, which is basic and polar, at codon 1181 of the TSC2 protein (p.Thr1181Arg). This variant is not present in population databases (gnomAD no frequency). This variant has not been reported in the literature in individuals affected with TSC2-related conditions. ClinVar contains an entry for this variant (Variation ID: 938957). Advanced modeling of protein sequence and biophysical properties (such as structural, functional, and spatial information, amino acid conservation, physicochemical variation, residue mobility, and thermodynamic stability) performed at Invitae indicates that this missense variant is not expected to disrupt TSC2 protein function with a negative predictive value of 95%. In summary, the available evidence is currently insufficient to determine the role of this variant in disease. Therefore, it has been classified as a Variant of Uncertain Significance.

All of Us Research Program, National Institutes of Health
Classification: Uncertain significance for Tuberous sclerosis syndrome. Last evaluated: 2023-05-31. Review status: criteria provided, single submitter. Criteria: ACMG Guidelines, 2015. Collection method: clinical testing. Allele origin: germline. Inheritance: Autosomal dominant inheritance. Observed: 2 variant alleles, 2 heterozygotes.
Comment: This study involves interpretation of variants in research participants for the purpose of population health screening. Participant phenotype was not available at the time of variant classification. Additional details can be found in publication PMID: 35346344, PMCID: PMC8962531

Ambry Genetics
Classification: Uncertain significance for Hereditary cancer-predisposing syndrome. Last evaluated: 2023-05-28. Review status: criteria provided, single submitter. Criteria: Ambry Variant Classification Scheme 2023. Collection method: clinical testing. Allele origin: germline.
Comment: The p.T1181R variant (also known as c.3542C>G), located in coding exon 29 of the TSC2 gene, results from a C to G substitution at nucleotide position 3542. The threonine at codon 1181 is replaced by arginine, an amino acid with similar properties. This amino acid position is conserved. In addition, the in silico prediction for this alteration is inconclusive. Since supporting evidence is limited at this time, the clinical significance of this alteration remains unclear.

NM_000548.5(TSC2):c.3542C>G (p.Thr1181Arg)

Gene: TSC2 (TSC complex subunit 2; plus strand). Cytogenetic location: 16p13.3.
Variant type: single nucleotide variant.
Coding change: c.3542C>G on transcript NM_000548.5 (MANE Select); coding-DNA position 3542, C replaced by G.
Protein change: p.Thr1181Arg; replaces threonine 1181 with arginine.
Molecular consequence: missense variant.
Genome position (GRCh38, 1-based): chr16:2,080,309, C>G. VCF-style: chr16-2080309-C-G. GRCh37 (hg19) VCF-style: chr16-2130310-C-G.
Other names: c.3410C>G, p.Thr1137Arg (NM_001077183.3, NM_001370404.1); c.3542C>G, p.Thr1181Arg (NM_001114382.3); c.3302C>G, p.Thr1101Arg (NM_001318827.2); c.3266C>G, p.Thr1089Arg (NM_001318829.2); c.2810C>G, p.Thr937Arg (NM_001318831.2); c.3443C>G, p.Thr1148Arg (NM_001318832.2); c.3413C>G, p.Thr1138Arg (NM_001363528.2, NM_001370405.1, NM_021055.3); short protein forms T1148R, T1101R, T1089R, T1137R, T1138R, T1181R, T937R.
Identifiers: ClinVar variation 938957 (VCV000938957.12), dbSNP rs373481458, ClinGen allele CA394289471.